The following is an entry in ClinVar:

NM_015047.3(EMC1):c.95+8C>A

Gene: EMC1 (ER membrane protein complex subunit 1; minus strand). Cytogenetic location: 1p36.13.
Variant type: single nucleotide variant.
Coding change: c.95+8C>A on transcript NM_015047.3 (MANE Select); 8 bases into the intron after coding-DNA position 95, C replaced by A.
Molecular consequence: intron variant.
Genome position (GRCh38, 1-based): chr1:19,251,407, G>T on the plus strand (C>A on the coding strand, the complement: EMC1 is on the minus strand). VCF-style: chr1-19251407-G-T. GRCh37 (hg19) VCF-style: chr1-19577901-G-T.
Other names: c.95+8C>A (NM_001271429.2, NM_001271427.2, NM_001375821.1 and 2 more transcripts).
Identifiers: ClinVar variation 1393040 (VCV001393040.8), dbSNP rs751406128, ClinGen allele CA2573130912.

ClinVar aggregate classification (germline): Uncertain significance (1 of 4 stars; one submission).

Submission:

Labcorp Genetics (formerly Invitae), Labcorp
Classification: Uncertain significance. Last evaluated: 2022-03-10. Review status: criteria provided, single submitter. Criteria: Invitae Variant Classification Sherloc (09022015). Collection method: clinical testing. Allele origin: germline.
Comment: In summary, the available evidence is currently insufficient to determine the role of this variant in disease. Therefore, it has been classified as a Variant of Uncertain Significance. Algorithms developed to predict the effect of sequence changes on RNA splicing suggest that this variant may create or strengthen a splice site. This variant has not been reported in the literature in individuals affected with EMC1-related conditions. This variant is not present in population databases (gnomAD no frequency). This sequence change falls in intron 1 of the EMC1 gene. It does not directly change the encoded amino acid sequence of the EMC1 protein.